The following is an entry in ClinVar:

NM_000059.4(BRCA2):c.8747_8750del (p.Tyr2916fs)

Gene: BRCA2 (BRCA2 DNA repair associated; plus strand). Cytogenetic location: 13q13.1.
Variant type: Deletion.
Coding change: c.8747_8750del on transcript NM_000059.4 (MANE Select); coding-DNA positions 8747 to 8750, 4 bases deleted (ACCT; older notation c.8747_8750delACCT).
Protein change: p.Tyr2916fs; shifts the reading frame from tyrosine 2916.
Molecular consequence: frameshift variant.
Genome position (GRCh38, 1-based): chr13:32,376,784-32,376,787, ACCT deleted; deleting any 4 consecutive bases within chr13:32,376,783-32,376,787 gives the same sequence; the c. name uses the placement nearest the transcript's 3' end. VCF-style (leftmost placement, unchanged base first): chr13-32376782-TTACC-T. GRCh37 (hg19) VCF-style: chr13-32950919-TTACC-T.
Other names: c.8651_8654delACCT, p.Tyr2884Leufs (NM_001406719.1); c.8747_8750delACCT, p.Tyr2916Leufs (NM_001406720.1); c.3815_3818delACCT, p.Tyr1272Leufs (NM_001406721.1); c.2330_2333delACCT, p.Tyr777Leufs (NM_001406722.1); short protein forms Y2916fs.
Identifiers: ClinVar variation 2431338 (VCV002431338.1), dbSNP rs2548553435, ClinGen allele CA2580087440.

ClinVar aggregate classification (germline): Pathogenic (1 of 4 stars; one submission).

Conditions:
Breast-ovarian cancer, familial, susceptibility to, 2 (BROVCA2). Also called: BRCA2 Hereditary Breast and Ovarian Cancer. Identifiers: Orphanet 145, MedGen C2675520, MONDO:0012933, OMIM 612555. Disease mechanism: loss of function.

Submission:

Myriad Genetics, Inc.
Classification: Pathogenic for Breast-ovarian cancer, familial, susceptibility to, 2. Last evaluated: 2023-01-17. Review status: criteria provided, single submitter. Criteria: Myriad Autosomal Dominant, Autosomal Recessive and X-Linked Classification Criteria (2023). Collection method: clinical testing. Allele origin: unknown.
Comment: This variant is considered pathogenic. This variant creates a frameshift predicted to result in premature protein truncation.